The following is an entry in ClinVar:

ClinVar aggregate classification (germline): Likely benign (0 of 4 stars; one submission).

Conditions:
PLXNA3-related disorder. Also called: PLXNA3-related condition.

Submission:

PreventionGenetics, part of Exact Sciences
Classification: Likely benign for PLXNA3-related condition. Last evaluated: 2023-03-14. Review status: no assertion criteria provided. Collection method: clinical testing. Allele origin: germline.
Comment: This variant is classified as likely benign based on ACMG/AMP sequence variant interpretation guidelines (Richards et al. 2015 PMID: 25741868, with internal and published modifications).

NM_017514.5(PLXNA3):c.2529G>T (p.Thr843=)

Gene: PLXNA3 (plexin A3; plus strand). Cytogenetic location: Xq28.
Variant type: single nucleotide variant.
Coding change: c.2529G>T on transcript NM_017514.5 (MANE Select); coding-DNA position 2529, G replaced by T.
Protein change: p.Thr843=; no amino-acid change (threonine 843 retained).
Molecular consequence: synonymous variant.
Genome position (GRCh38, 1-based): chrX:154,465,844, G>T. VCF-style: chrX-154465844-G-T. GRCh37 (hg19) VCF-style: chrX-153694187-G-T.
Identifiers: ClinVar variation 3353878 (VCV003353878.1).
Genomic context (GRCh38, chrX:154,465,844, plus strand): 5'-GAAGACCAACTGGATGCACCTGAGCCAGAAGGGCACCCGGTGCAGCCACCCCCGCATCAC[G>T]CAGGTCAGCCTCCCTCACCGCCCCTGCCCACTGCCAACAGGGCCCCTGGGAGTCTGAGCC-3'
Protein context (NP_059984.3, residues 833-853): KGTRCSHPRI[Thr843=]QIHPLVGPKE